The following is an entry in ClinVar:

ClinVar aggregate classification (germline): Uncertain significance (1 of 4 stars; one submission).

Allele frequency attached by ClinVar (database versions not stated): gnomAD exomes below 0.00001.
gnomAD v4.1: 1 of 1,107,264 alleles (0.00009%); highest among the groups gnomAD compares: Non-Finnish European, 0.00012%; no homozygotes.

Submission:

Labcorp Genetics (formerly Invitae), Labcorp
Classification: Uncertain significance. Last evaluated: 2022-06-13. Review status: criteria provided, single submitter. Criteria: Invitae Variant Classification Sherloc (09022015). Collection method: clinical testing. Allele origin: germline.
Comment: In summary, the available evidence is currently insufficient to determine the role of this variant in disease. Therefore, it has been classified as a Variant of Uncertain Significance. Algorithms developed to predict the effect of missense changes on protein structure and function (SIFT, PolyPhen-2, Align-GVGD) all suggest that this variant is likely to be disruptive. This variant has not been reported in the literature in individuals affected with NYX-related conditions. This variant is not present in population databases (gnomAD no frequency). This sequence change replaces arginine, which is basic and polar, with cysteine, which is neutral and slightly polar, at codon 136 of the NYX protein (p.Arg136Cys).

NM_001378477.3(NYX):c.391C>T (p.Arg131Cys)

Gene: NYX (nyctalopin; plus strand). Cytogenetic location: Xp11.4.
Variant type: single nucleotide variant.
Coding change: c.391C>T on transcript NM_001378477.3 (MANE Select); coding-DNA position 391, C replaced by T.
Protein change: p.Arg131Cys; replaces arginine 131 with cysteine.
Molecular consequence: missense variant.
Genome position (GRCh38, 1-based): chrX:41,473,859, C>T. VCF-style: chrX-41473859-C-T. GRCh37 (hg19) VCF-style: chrX-41333112-C-T.
Other names: c.391C>T, p.Arg131Cys (NM_022567.3); short protein forms R131C.
Identifiers: ClinVar variation 1461968 (VCV001461968.8), dbSNP rs2147025572, ClinGen allele CA412990124.
Genomic context (GRCh38, chrX:41,473,859, plus strand): 5'-CGCCTGGCGCACAACGGCGACCTGCGCTACCTGCACGCGCGCACCTTCGCGGCGCTCAGC[C>T]GCCTGCGCCGCCTAGACCTAGCAGCCTGCCGCCTCTTCAGCGTGCCCGAGCGCCTCCTGG-3'
Protein context (NP_001365406.2, residues 121-141): LHARTFAALS[Arg131Cys]LRRLDLAACR